The following is an entry in ClinVar:

NM_001122681.2(SH3BP2):c.359G>A (p.Ser120Asn)

Gene: SH3BP2 (SH3 domain binding protein 2; plus strand). Cytogenetic location: 4p16.3.
Variant type: single nucleotide variant.
Coding change: c.359G>A on transcript NM_001122681.2 (MANE Select); coding-DNA position 359, G replaced by A.
Protein change: p.Ser120Asn; replaces serine 120 with asparagine.
Molecular consequence: missense variant.
Genome position (GRCh38, 1-based): chr4:2,825,127, G>A. VCF-style: chr4-2825127-G-A. GRCh37 (hg19) VCF-style: chr4-2826854-G-A.
Other names: c.443G>A, p.Ser148Asn (NM_001145855.2); c.530G>A, p.Ser177Asn (NM_001145856.2); c.359G>A, p.Ser120Asn (NM_003023.4); short protein forms S177N, S120N, S148N.
Identifiers: ClinVar variation 2740505 (VCV002740505.3), dbSNP rs1480761379, ClinGen allele CA356053935.

ClinVar aggregate classification (germline): Uncertain significance (1 of 4 stars; one submission).

Conditions:
Fibrous dysplasia of jaw (CRBM). Also called: Cherubism. Identifiers: Orphanet 184, MedGen C0008029, MONDO:0007315, OMIM 118400.

Allele frequency attached by ClinVar (database versions not stated): gnomAD 0.00001; TOPMed 0.00001; gnomAD exomes 0.00001.

Submission:

Labcorp Genetics (formerly Invitae), Labcorp
Classification: Uncertain significance for Fibrous dysplasia of jaw. Last evaluated: 2025-11-27. Review status: criteria provided, single submitter. Criteria: Invitae Variant Classification Sherloc (09022015). Collection method: clinical testing. Allele origin: germline.
Comment: This sequence change replaces serine, which is neutral and polar, with asparagine, which is neutral and polar, at codon 120 of the SH3BP2 protein (p.Ser120Asn). The frequency data for this variant in the population databases is considered unreliable, as metrics indicate poor data quality at this position in the gnomAD database. This variant has not been reported in the literature in individuals affected with SH3BP2-related conditions. ClinVar contains an entry for this variant (Variation ID: 2740505). An algorithm developed to predict the effect of missense changes on protein structure and function (PolyPhen-2) suggests that this variant is likely to be tolerated. In summary, the available evidence is currently insufficient to determine the role of this variant in disease. Therefore, it has been classified as a Variant of Uncertain Significance.